The following is an entry in ClinVar:

ClinVar aggregate classification (germline): Uncertain significance (1 of 4 stars; one submission).

Conditions:
BBS10-related disorder. Also called: BBS10-related condition.

gnomAD v4.1: 2 of 1,614,086 alleles (0.00012%); highest among the groups gnomAD compares: Non-Finnish European, 0.00017%; no homozygotes.

Submission:

PreventionGenetics, part of Exact Sciences
Classification: Uncertain significance for BBS10-related condition. Last evaluated: 2025-10-08. Review status: criteria provided, single submitter. Criteria: ACMG Guidelines, 2015. Collection method: clinical testing. Allele origin: germline.
Comment: The BBS10 c.610T>C variant is predicted to result in the amino acid substitution p.Cys204Arg. To our knowledge, this variant has not been reported in the literature or in a large population database (gnomAD), indicating this variant is rare. At this time, the clinical significance of this variant is uncertain due to the absence of conclusive functional and genetic evidence.

NM_024685.4(BBS10):c.610T>C (p.Cys204Arg)

Gene: BBS10 (Bardet-Biedl syndrome 10; minus strand). Cytogenetic location: 12q21.2.
Variant type: single nucleotide variant.
Coding change: c.610T>C on transcript NM_024685.4 (MANE Select); coding-DNA position 610, T replaced by C.
Protein change: p.Cys204Arg; replaces cysteine 204 with arginine.
Molecular consequence: missense variant.
Genome position (GRCh38, 1-based): chr12:76,347,375, A>G on the plus strand (T>C on the coding strand, the complement: BBS10 is on the minus strand). VCF-style: chr12-76347375-A-G. GRCh37 (hg19) VCF-style: chr12-76741155-A-G.
Other names: short protein forms C204R.
Identifiers: ClinVar variation 4991374 (VCV004991374.1).
Genomic context (GRCh38, chr12:76,347,375, plus strand): 5'-CAACATTCAACTCTACAAAATGGTCATCCACTAACTCAAATACACCAATCCCACTTTTAC[A>G]AGTCATACACTTGAAAAAGTAGTCACACATCAACTGTGAAATAAATTTATGATTATTTCT-3'
Protein context (NP_078961.3, residues 194-214): MCDYFFKCMT[Cys204Arg]KSGIGVFELV